The following is an entry in ClinVar:

ClinVar aggregate classification (germline): Benign (1 of 4 stars; one submission).

Submission:

CeGaT Center for Human Genetics Tuebingen
Classification: Benign. Last evaluated: 2026-05-01. Review status: criteria provided, single submitter. Criteria: CeGaT Center For Human Genetics Tuebingen Variant Classification Criteria Version 2. Collection method: clinical testing. Allele origin: germline. Affected: yes. Observed: 4 variant alleles.
Comment: ATP6V1B2: BS1, BS2

NM_001693.4(ATP6V1B2):c.18_26del (p.Met6_Gly8del)

Genes: ATP6V1B2 (ATPase H+ transporting V1 subunit B2; plus strand), LOC129999955 (ATAC-STARR-seq lymphoblastoid silent region 18971; plus strand). Cytogenetic location: 8p21.3.
Variant type: Deletion.
Coding change: c.18_26del on transcript NM_001693.4 (MANE Select); coding-DNA positions 18 to 26, 9 bases deleted (GCGGGGGAT; older notation c.18_26delGCGGGGGAT).
Protein change: p.Met6_Gly8del.
Molecular consequence: inframe deletion.
Genome position (GRCh38, 1-based): chr8:20,197,424-20,197,432, GCGGGGGAT deleted; deleting any 9 consecutive bases within chr8:20,197,421-20,197,432 gives the same sequence; the c. name uses the placement nearest the transcript's 3' end. VCF-style (leftmost placement, unchanged base first): chr8-20197420-CGATGCGGGG-C. GRCh37 (hg19) VCF-style: chr8-20054931-CGATGCGGGG-C.
Identifiers: ClinVar variation 2658457 (VCV002658457.24), dbSNP rs548097755, ClinGen allele CA4656663.